The following is an entry in ClinVar:

NM_001370466.1(NOD2):c.653C>T (p.Thr218Met)

Gene: NOD2 (nucleotide binding oligomerization domain containing 2; plus strand). Cytogenetic location: 16q12.1.
Variant type: single nucleotide variant.
Coding change: c.653C>T on transcript NM_001370466.1 (MANE Select); coding-DNA position 653, C replaced by T.
Protein change: p.Thr218Met; replaces threonine 218 with methionine.
Molecular consequence: missense variant. On other transcripts: non-coding transcript variant (1).
Genome position (GRCh38, 1-based): chr16:50,710,645, C>T. VCF-style: chr16-50710645-C-T. GRCh37 (hg19) VCF-style: chr16-50744556-C-T.
Other names: c.734C>T (LRG_177t1, NM_022162.2); c.653C>T, p.Thr218Met (NM_001293557.2); c.734C>T, p.Thr245Met (NM_022162.3); short protein forms T245M, T218M.
Identifiers: ClinVar variation 319434 (VCV000319434.17), dbSNP rs148516118, ClinGen allele CA8051383.

ClinVar aggregate classification (germline): Conflicting classifications of pathogenicity. Review status: criteria provided, conflicting classifications (1 of 4 stars). 4 submissions from 3 submitters: Uncertain significance (1); Likely benign (2). 1 of the submissions does not count toward it. Last evaluated 2023-12-15.

Conditions:
Inflammatory bowel disease 1 (IBD1). Also called: Inflammatory bowel disease 1, Crohn disease; INFLAMMATORY BOWEL DISEASE (CROHN DISEASE) 1. Identifiers: MedGen CN260071, MONDO:0009960, OMIM 266600.
NOD2-related disorder. Also called: NOD2-related condition.
Regional enteritis. Also called: Enteritis, Granulomatous. Identifiers: MedGen C0678202, MeSH D003424.
Blau syndrome (BLAUS). Also called: ARTHROCUTANEOUVEAL GRANULOMATOSIS; GRANULOMATOSIS, FAMILIAL JUVENILE SYSTEMIC; GRANULOMATOSIS, FAMILIAL, BLAU TYPE; GRANULOMATOUS INFLAMMATORY ARTHRITIS, DERMATITIS, AND UVEITIS, FAMILIAL; JABS SYNDROME. Identifiers: Orphanet 90340, MedGen C5201146, MONDO:0008523, OMIM 186580.

Allele frequency attached by ClinVar (database versions not stated): TOPMed 0.00001; ExAC 0.00003; gnomAD 0.00004; gnomAD exomes 0.00004; 1000 Genomes Project 30x 0.00016; 1000 Genomes Project 0.00020.
gnomAD v4.1: 57 of 1,614,212 alleles (0.0035%); highest among the groups gnomAD compares: East Asian, 0.053%; no homozygotes.

Submissions (4):

Labcorp Genetics (formerly Invitae), Labcorp
Classification: Uncertain significance for Regional enteritis; Blau syndrome. Last evaluated: 2023-12-15. Review status: criteria provided, single submitter. Criteria: Invitae Variant Classification Sherloc (09022015). Collection method: clinical testing. Allele origin: germline.
Comment: This sequence change replaces threonine, which is neutral and polar, with methionine, which is neutral and non-polar, at codon 245 of the NOD2 protein (p.Thr245Met). This variant is present in population databases (rs148516118, gnomAD 0.02%). This missense change has been observed in individual(s) with Crohn's disease (PMID: 12630966). ClinVar contains an entry for this variant (Variation ID: 319434). Advanced modeling of protein sequence and biophysical properties (such as structural, functional, and spatial information, amino acid conservation, physicochemical variation, residue mobility, and thermodynamic stability) performed at Invitae indicates that this missense variant is not expected to disrupt NOD2 protein function with a negative predictive value of 95%. In summary, the available evidence is currently insufficient to determine the role of this variant in disease. Therefore, it has been classified as a Variant of Uncertain Significance.

Illumina Laboratory Services, Illumina
Classification: Likely benign for Blau syndrome. Last evaluated: 2017-04-27. Review status: criteria provided, single submitter. Criteria: ICSL Variant Classification Criteria 13 December 2019. Collection method: clinical testing. Allele origin: germline.
Comment: This variant was observed as part of a predisposition screen in an ostensibly healthy population. A literature search was performed for the gene, cDNA change, and amino acid change (where applicable). No publications were found based on this search. Allele frequency data from public databases allowed determination this variant is unlikely to cause disease. Therefore, this variant is classified as likely benign.

Illumina Laboratory Services, Illumina
Classification: Likely benign for Inflammatory bowel disease 1. Last evaluated: 2017-04-27. Review status: criteria provided, single submitter. Criteria: ICSL Variant Classification Criteria 13 December 2019. Collection method: clinical testing. Allele origin: germline.
Comment: This variant was observed as part of a predisposition screen in an ostensibly healthy population. A literature search was performed for the gene, cDNA change, and amino acid change (where applicable). Publications were found based on this search. The evidence from the literature, in combination with allele frequency data from public databases where available, was sufficient to determine this variant is unlikely to cause disease. Therefore, this variant is classified as likely benign.

PreventionGenetics, part of Exact Sciences
Classification: Uncertain significance for NOD2-related condition. Last evaluated: 2024-08-30. Review status: no assertion criteria provided. Collection method: clinical testing. Allele origin: germline. Not counted in ClinVar's aggregate classification.
Comment: The NOD2 c.734C>T variant is predicted to result in the amino acid substitution p.Thr245Met. This variant has been reported in a patient with Crohn's disease (Sugimura et al. 2003. PubMed ID: 12630966). This variant is reported in 0.017% of alleles in individuals of Latino descent in gnomAD. At this time, the clinical significance of this variant is uncertain due to the absence of conclusive functional and genetic evidence.

Literature cited by the submitters: PubMed 12630966 (cited by Labcorp Genetics (formerly Invitae), Labcorp and Illumina Laboratory Services, Illumina); PubMed 22926499 (cited by Illumina Laboratory Services, Illumina).